The following is an entry in ClinVar:

NM_001330078.2(NRXN1):c.772+1128_772+1129del

Gene: NRXN1 (neurexin 1; minus strand). Cytogenetic location: 2p16.3.
Variant type: Deletion.
Coding change: c.772+1128_772+1129del on transcript NM_001330078.2 (MANE Select); bases 1128 to 1129 of the intron after coding-DNA position 772, 2 bases deleted (GA; older notation c.772+1128_772+1129delGA).
Molecular consequence: intron variant. On other transcripts: frameshift variant (1).
Genome position (GRCh38, 1-based): chr2:51,026,373-51,026,374, TC deleted on the plus strand (GA on the coding strand, the reverse complement: NRXN1 is on the minus strand); deleting any 2 consecutive bases within chr2:51,026,373-51,026,375 gives the same sequence; the c. name uses the placement nearest the transcript's 3' end. VCF-style (leftmost placement, unchanged base first): chr2-51026372-TTC-T. GRCh37 (hg19) VCF-style: chr2-51253510-TTC-T.
Other names: c.868_869del, p.Glu290fs (NM_001135659.3); c.772+1128_772+1129del (NM_001330096.2, NM_001330087.2, NM_001330083.2 and 14 more transcripts); c.868_869del (NM_001135659.1); short protein forms E290fs.
Identifiers: ClinVar variation 1048082 (VCV001048082.8), dbSNP rs1558610072, ClinGen allele CA532659846.
Genomic context (GRCh38, chr2:51,026,372, plus strand): 5'-TTAAATCCTGACATCTCCTACTTAGCCACTGATTCGTCTTTTTCACACCACTCACTCACT[TTC>T]TGTTAGAGGCTTTGCTGTATTTATACAACAGTATTTTCCTTGGTCATTGTCATGTAACAG-3'

ClinVar aggregate classification (germline): Pathogenic/Likely pathogenic. Review status: criteria provided, multiple submitters, no conflicts (2 of 4 stars). 4 submissions from 4 submitters: Pathogenic (1); Likely pathogenic (1). 2 of the submissions do not count toward it. Last evaluated 2025-03-17.

Conditions:
Pitt-Hopkins-like syndrome 2 (PTHSL2). Identifiers: Orphanet 221150, Orphanet 600663, MedGen C3280479, MONDO:0013690, OMIM 614325.

Submissions (4):

GeneDx
Classification: Pathogenic. Last evaluated: 2025-03-17. Review status: criteria provided, single submitter. Criteria: GeneDx Variant Classification Process June 2021. Collection method: clinical testing. Allele origin: germline.
Comment: Frameshift variant predicted to result in protein truncation or nonsense mediated decay in a gene for which loss-of-function is a known mechanism of disease; Not observed at significant frequency in large population cohorts (gnomAD); This variant is associated with the following publications: (PMID: 31623504)

Breda Genetics srl
Classification: Likely pathogenic for Pitt-Hopkins-like syndrome 2. Last evaluated: 2019-02-28. Review status: criteria provided, single submitter. Criteria: ACMG Guidelines, 2015. Collection method: clinical testing. Allele origin: germline. Inheritance: Autosomal recessive inheritance. Affected: yes. Observed: 1 variant allele, 1 heterozygote.
Comment: The variant c.868_869del (p.Glu290Lysfs*18) in the NRXN1 gene creates a shift in the reading frame which is predicted to result in a premature stop codon 18 amino acids downstream. This variant is likely to result in a truncated protein or protein loss due to nonsense-mediated messenger decay (NMD). The variant is reported with an estimated allele frequency of 0.000004823 in gnomAD exomes, with no homozygous individuals reported.

Clinical Genetics DNA and cytogenetics Diagnostics Lab, Erasmus MC, Erasmus Medical Center
Classification: Likely pathogenic. Review status: no assertion criteria provided. Collection method: clinical testing. Allele origin: germline. Affected: yes. Study: VKGL Data-share Consensus. Not counted in ClinVar's aggregate classification.

Diagnostic Laboratory, Department of Genetics, University Medical Center Groningen
Classification: Pathogenic. Review status: no assertion criteria provided. Collection method: clinical testing. Allele origin: germline. Affected: yes. Study: VKGL Data-share Consensus. Not counted in ClinVar's aggregate classification.